The following is an entry in ClinVar:

ClinVar aggregate classification (germline): Uncertain significance (1 of 4 stars; one submission).

Submission:

Labcorp Genetics (formerly Invitae), Labcorp
Classification: Uncertain significance. Last evaluated: 2023-06-16. Review status: criteria provided, single submitter. Criteria: Invitae Variant Classification Sherloc (09022015). Collection method: clinical testing. Allele origin: unknown.
Comment: In summary, the available evidence is currently insufficient to determine the role of this variant in disease. Therefore, it has been classified as a Variant of Uncertain Significance. This variant has not been reported in the literature in individuals affected with ASXL1-related conditions. This variant results in a copy number gain of the genomic region encompassing exon(s) 1 of the ASXL1 gene. This region includes the initiator codon of the gene. This copy number gain extends beyond the assayed region for this gene and therefore may encompass additional genes. As the precise location of this event is unknown, it may be in tandem or it may be located elsewhere in the genome.

NC_000020.10:g.(?_30946579)_(30946655_?)dup

Gene: ASXL1 (ASXL transcriptional regulator 1; plus strand). Cytogenetic location: 20q11.21.
Variant type: Duplication.
Identifiers: ClinVar variation 3248339 (VCV003248339.1).